The following is an entry in ClinVar:

NM_001252024.2(TRPM1):c.473T>C (p.Phe158Ser)

Gene: TRPM1 (transient receptor potential cation channel subfamily M member 1; minus strand). Cytogenetic location: 15q13.3.
Variant type: single nucleotide variant.
Coding change: c.473T>C on transcript NM_001252024.2 (MANE Select); coding-DNA position 473, T replaced by C.
Protein change: p.Phe158Ser; replaces phenylalanine 158 with serine.
Molecular consequence: missense variant.
Genome position (GRCh38, 1-based): chr15:31,067,899, A>G on the plus strand (T>C on the coding strand, the complement: TRPM1 is on the minus strand). VCF-style: chr15-31067899-A-G. GRCh37 (hg19) VCF-style: chr15-31360102-A-G.
Other names: c.524T>C, p.Phe175Ser (NM_001252020.2); c.407T>C, p.Phe136Ser (NM_002420.6); short protein forms F158S, F175S, F136S.
Identifiers: ClinVar variation 1042462 (VCV001042462.8), dbSNP rs2034425399, ClinGen allele CA391534181.

ClinVar aggregate classification (germline): Uncertain significance (1 of 4 stars; one submission).

Submission:

Labcorp Genetics (formerly Invitae), Labcorp
Classification: Uncertain significance. Last evaluated: 2022-03-10. Review status: criteria provided, single submitter. Criteria: Invitae Variant Classification Sherloc (09022015). Collection method: clinical testing. Allele origin: germline.
Comment: In summary, the available evidence is currently insufficient to determine the role of this variant in disease. Therefore, it has been classified as a Variant of Uncertain Significance. Algorithms developed to predict the effect of missense changes on protein structure and function (SIFT, PolyPhen-2, Align-GVGD) all suggest that this variant is likely to be disruptive. ClinVar contains an entry for this variant (Variation ID: 1042462). This variant has not been reported in the literature in individuals affected with TRPM1-related conditions. This variant is not present in population databases (gnomAD no frequency). This sequence change replaces phenylalanine, which is neutral and non-polar, with serine, which is neutral and polar, at codon 136 of the TRPM1 protein (p.Phe136Ser).